The following is an entry in ClinVar:

ClinVar aggregate classification (germline): Likely benign. Review status: criteria provided, single submitter (1 of 4 stars). 2 submissions from 2 submitters: Likely benign (1). 1 of the submissions does not count toward it. Last evaluated 2025-04-26.

Conditions:
SNX27-related disorder. Also called: SNX27-related condition.
Severe myoclonic epilepsy in infancy (DRVT). Also called: Dravet syndrome; Epileptic encephalopathy, early infantile, 6 (Dravet syndrome); SEVERE MYOCLONIC EPILEPSY OF INFANCY; DEVELOPMENTAL AND EPILEPTIC ENCEPHALOPATHY 6A; Severe Myoclonic Epilepsy in Infancy (SMEI). Identifiers: Orphanet 33069, MedGen C0751122, MONDO:0100135, OMIM 607208.

Allele frequency attached by ClinVar (database versions not stated): gnomAD exomes 0.00001 and 0.00002; ExAC 0.00005; gnomAD 0.00008 and 0.00009; TOPMed 0.00009.
gnomAD v4.1: 20 of 1,613,368 alleles (0.0012%); highest among the groups gnomAD compares: African/African-American, 0.027%; no homozygotes.

Submissions (2):

Labcorp Genetics (formerly Invitae), Labcorp
Classification: Likely benign for Severe myoclonic epilepsy in infancy. Last evaluated: 2025-04-26. Review status: criteria provided, single submitter. Criteria: Invitae Variant Classification Sherloc (09022015). Collection method: clinical testing. Allele origin: germline.

PreventionGenetics, part of Exact Sciences
Classification: Likely benign for SNX27-related condition. Last evaluated: 2019-08-19. Review status: no assertion criteria provided. Collection method: clinical testing. Allele origin: germline. Not counted in ClinVar's aggregate classification.
Comment: This variant is classified as likely benign based on ACMG/AMP sequence variant interpretation guidelines (Richards et al. 2015 PMID: 25741868, with internal and published modifications).

NM_001330723.2(SNX27):c.1365C>T (p.Ala455=)

Gene: SNX27 (sorting nexin 27; plus strand). Cytogenetic location: 1q21.3.
Variant type: single nucleotide variant.
Coding change: c.1365C>T on transcript NM_001330723.2 (MANE Select); coding-DNA position 1365, C replaced by T.
Protein change: p.Ala455=; no amino-acid change (alanine 455 retained).
Molecular consequence: synonymous variant.
Genome position (GRCh38, 1-based): chr1:151,692,560, C>T. VCF-style: chr1-151692560-C-T. GRCh37 (hg19) VCF-style: chr1-151665036-C-T.
Other names: c.1365C>T, p.Ala455= (NM_030918.6).
Identifiers: ClinVar variation 462811 (VCV000462811.12), dbSNP rs555284794, ClinGen allele CA1093649.
Genomic context (GRCh38, chr1:151,692,560, plus strand): 5'-CTCCAGGAGGAAGGGGCACGTTATCACAGCCATCAGCATCACGCACTTTAAACTGCATGC[C>T]TGCACTGAAGAAGGACAGCTGGAGGTGAGTTTTCAGCATAGGGCTCTGGCTGCGAGGACT-3'
Protein context (NP_001317652.1, residues 445-465): AISITHFKLH[Ala455=]CTEEGQLENQ